The following is an entry in ClinVar:

ClinVar aggregate classification (germline): Uncertain significance (1 of 4 stars; one submission).

Conditions:
Hereditary cancer-predisposing syndrome. Also called: Neoplastic Syndromes, Hereditary; Tumor predisposition; Hereditary Cancer Syndrome; Hereditary neoplastic syndrome. Identifiers: Orphanet 140162, MedGen C0027672, MeSH D009386, MONDO:0015356.

Submission:

Ambry Genetics
Classification: Uncertain significance for Hereditary cancer-predisposing syndrome. Last evaluated: 2025-11-08. Review status: criteria provided, single submitter. Criteria: Ambry Variant Classification Scheme 2023. Collection method: clinical testing. Allele origin: germline.
Comment: The p.C691F variant (also known as c.2072G>T), located in coding exon 14 of the KIT gene, results from a G to T substitution at nucleotide position 2072. The cysteine at codon 691 is replaced by phenylalanine, an amino acid with highly dissimilar properties. This amino acid position is conserved. In addition, this alteration is predicted to be tolerated by in silico analysis. Based on the available evidence, the clinical significance of this variant remains unclear.

NM_000222.3(KIT):c.2072G>T (p.Cys691Phe)

Gene: KIT (KIT proto-oncogene, receptor tyrosine kinase; plus strand). Cytogenetic location: 4q12.
Variant type: single nucleotide variant.
Coding change: c.2072G>T on transcript NM_000222.3 (MANE Select); coding-DNA position 2072, G replaced by T.
Protein change: p.Cys691Phe; replaces cysteine 691 with phenylalanine.
Molecular consequence: missense variant.
Genome position (GRCh38, 1-based): chr4:54,729,416, G>T. VCF-style: chr4-54729416-G-T. GRCh37 (hg19) VCF-style: chr4-55595582-G-T.
Other names: c.2060G>T, p.Cys687Phe (NM_001093772.2, NM_001385286.1); c.2075G>T, p.Cys692Phe (NM_001385284.1, NM_001385290.1); c.2072G>T, p.Cys691Phe (NM_001385285.1); c.2063G>T, p.Cys688Phe (NM_001385288.1, NM_001385292.1); short protein forms C688F, C687F, C692F, C691F.
Identifiers: ClinVar variation 4645227 (VCV004645227.1).